The following is an entry in ClinVar:

NM_174936.4(PCSK9):c.1847C>A (p.Pro616Gln)

Gene: PCSK9 (proprotein convertase subtilisin/kexin type 9; plus strand). Cytogenetic location: 1p32.3.
Variant type: single nucleotide variant.
Coding change: c.1847C>A on transcript NM_174936.4 (MANE Select); coding-DNA position 1847, C replaced by A.
Protein change: p.Pro616Gln; replaces proline 616 with glutamine.
Molecular consequence: missense variant.
Genome position (GRCh38, 1-based): chr1:55,061,540, C>A. VCF-style: chr1-55061540-C-A. GRCh37 (hg19) VCF-style: chr1-55527213-C-A.
Other names: c.1970C>A, p.Pro657Gln (NM_001407240.1); c.1889C>A, p.Pro630Gln (NM_001407241.1); c.1850C>A, p.Pro617Gln (NM_001407242.1); c.1790C>A, p.Pro597Gln (NM_001407243.1); c.1673C>A, p.Pro558Gln (NM_001407244.1); c.1655C>A, p.Pro552Gln (NM_001407245.1); c.1472C>A, p.Pro491Gln (NM_001407246.1); c.1346C>A, p.Pro449Gln (NM_001407247.1); short protein forms P616Q, P552Q, P617Q, P449Q, P491Q, P597Q, P630Q, P657Q.
Identifiers: ClinVar variation 492241 (VCV000492241.13), dbSNP rs755750316, ClinGen allele CA039033.

ClinVar aggregate classification (germline): Uncertain significance. Review status: criteria provided, multiple submitters, no conflicts (2 of 4 stars). 3 submissions from 3 submitters: Uncertain significance (3). Last evaluated 2025-09-23.

Conditions:
Familial hypercholesterolemia. Also called: Familial hypercholesterolemias; Familial hypercholesterolaemia. Identifiers: MedGen C0020445, MONDO:0005439.
Hypercholesterolemia, autosomal dominant, 3 (FHCL3). Also called: Familial Hypercholesterolemia, Autosomal Dominant, 3; Familial hypercholesterolemia 3; PCSK9-Related Familial Hypercholesterolemia, Autosomal Dominant. Identifiers: MedGen C1863551, MONDO:0011369, OMIM 603776.

gnomAD v4.1: 41 of 1,598,766 alleles (0.0026%); highest among the groups gnomAD compares: Non-Finnish European, 0.0032%; no homozygotes.

Submissions (3):

Labcorp Genetics (formerly Invitae), Labcorp
Classification: Uncertain significance for Hypercholesterolemia, autosomal dominant, 3. Last evaluated: 2025-09-23. Review status: criteria provided, single submitter. Criteria: Invitae Variant Classification Sherloc (09022015). Collection method: clinical testing. Allele origin: germline.
Comment: This sequence change replaces proline, which is neutral and non-polar, with glutamine, which is neutral and polar, at codon 616 of the PCSK9 protein (p.Pro616Gln). The frequency data for this variant in the population databases is considered unreliable, as metrics indicate poor data quality at this position in the gnomAD database. This variant has not been reported in the literature in individuals affected with PCSK9-related conditions. ClinVar contains an entry for this variant (Variation ID: 492241). Invitae Evidence Modeling of protein sequence and biophysical properties (such as structural, functional, and spatial information, amino acid conservation, physicochemical variation, residue mobility, and thermodynamic stability) indicates that this missense variant is not expected to disrupt PCSK9 protein function with a negative predictive value of 80%. In summary, the available evidence is currently insufficient to determine the role of this variant in disease. Therefore, it has been classified as a Variant of Uncertain Significance.

Color Diagnostics, LLC DBA Color Health
Classification: Uncertain significance for Familial hypercholesterolemia. Last evaluated: 2025-06-02. Review status: criteria provided, single submitter. Criteria: ACMG Guidelines, 2015. Collection method: clinical testing. Allele origin: germline.
Comment: This missense variant replaces proline with glutamine at codon 616 of the PCSK9 protein. Computational prediction suggests that this variant may not impact protein structure and function. To our knowledge, functional studies have not been reported for this variant. This variant has not been reported in individuals affected with PCSK9-related disorders in the literature. This variant has been identified in 7/219910 chromosomes in the general population by the Genome Aggregation Database (gnomAD). The available evidence is insufficient to determine the role of this variant in disease conclusively. Therefore, this variant is classified as a Variant of Uncertain Significance.

All of Us Research Program, National Institutes of Health
Classification: Uncertain significance for Hypercholesterolemia, autosomal dominant, 3. Last evaluated: 2024-09-23. Review status: criteria provided, single submitter. Criteria: ACMG Guidelines, 2015. Collection method: clinical testing. Allele origin: germline. Inheritance: Autosomal dominant inheritance. Observed: 4 variant alleles, 4 heterozygotes.
Comment: This missense variant replaces proline with glutamine at codon 616 of the PCSK9 protein. Computational prediction suggests that this variant may not impact protein structure and function (internally defined REVEL score threshold <= 0.5, PMID: 27666373). Splice site prediction tools suggest that this variant may not impact RNA splicing. To our knowledge, functional studies have not been performed for this variant. This variant has not been reported in individuals affected with familial hypercholesterolemia in the literature. This variant has been identified in 7/219910 chromosomes in the general population by the Genome Aggregation Database (gnomAD). The available evidence is insufficient to determine the role of this variant in disease conclusively. Therefore, this variant is classified as a Variant of Uncertain Significance.

This study involves interpretation of variants in research participants for the purpose of population health screening. Participant phenotype was not available at the time of variant classification. Additional details can be found in publication PMID: 35346344, PMCID: PMC8962531